The following is an entry in ClinVar:

ClinVar aggregate classification (germline): Uncertain significance (1 of 4 stars; one submission).

Conditions:
Chromosome 2q32-q33 deletion syndrome (GLASS). Also called: 2q33.1 deletion syndrome; Glass syndrome. Identifiers: Orphanet 251019, MedGen C2676739, MONDO:0012864, OMIM 612313.

Submission:

Labcorp Genetics (formerly Invitae), Labcorp
Classification: Uncertain significance for Chromosome 2q32-q33 deletion syndrome. Last evaluated: 2024-09-30. Review status: criteria provided, single submitter. Criteria: Invitae Variant Classification Sherloc (09022015). Collection method: clinical testing. Allele origin: germline.
Comment: This sequence change replaces threonine, which is neutral and polar, with serine, which is neutral and polar, at codon 354 of the SATB2 protein (p.Thr354Ser). This variant is not present in population databases (gnomAD no frequency). This variant has not been reported in the literature in individuals affected with SATB2-related conditions. Invitae Evidence Modeling of protein sequence and biophysical properties (such as structural, functional, and spatial information, amino acid conservation, physicochemical variation, residue mobility, and thermodynamic stability) indicates that this missense variant is not expected to disrupt SATB2 protein function with a negative predictive value of 80%. In summary, the available evidence is currently insufficient to determine the role of this variant in disease. Therefore, it has been classified as a Variant of Uncertain Significance.

NM_001172509.2(SATB2):c.1061C>G (p.Thr354Ser)

Gene: SATB2 (SATB homeobox 2; minus strand). Cytogenetic location: 2q33.1.
Variant type: single nucleotide variant.
Coding change: c.1061C>G on transcript NM_001172509.2 (MANE Select); coding-DNA position 1061, C replaced by G.
Protein change: p.Thr354Ser; replaces threonine 354 with serine.
Molecular consequence: missense variant.
Genome position (GRCh38, 1-based): chr2:199,348,813, G>C on the plus strand (C>G on the coding strand, the complement: SATB2 is on the minus strand). VCF-style: chr2-199348813-G-C. GRCh37 (hg19) VCF-style: chr2-200213536-G-C.
Other names: c.1061C>G, p.Thr354Ser (NM_001172517.1, NM_015265.4); short protein forms T354S.
Identifiers: ClinVar variation 3666602 (VCV003666602.2).
Genomic context (GRCh38, chr2:199,348,813, plus strand): 5'-CTCTTCAGCTCATCTCTGACTTGCTGGTAGATATCTGGAGAGACTTCCACGGAAGAGTTG[G>C]TTGGCTCTGGCTTAACTGCTCTGGGGATGGGTGGATGGTTCAGGAACTGCTGGTTGATGG-3'
Protein context (NP_001165980.1, residues 344-364): PIPRAVKPEP[Thr354Ser]NSSVEVSPDI